The following is an entry in ClinVar:

ClinVar aggregate classification (germline): Pathogenic (1 of 4 stars; one submission).

Conditions:
X-linked Alport syndrome (ATS1). Also called: COL4A5-Related Nephropathy; NEPHROPATHY AND DEAFNESS, X-LINKED. Identifiers: Orphanet 63, Orphanet 88917, MedGen C4746986, MONDO:0010520, OMIM 301050.

Submission:

MVZ Medizinische Genetik Mainz
Classification: Pathogenic for X-linked Alport syndrome. Last evaluated: 2026-04-16. Review status: criteria provided, single submitter. Criteria: UK Practice Guidelines For Variant Classification V4 01 2020. Collection method: clinical testing. Allele origin: germline. Inheritance: X-linked dominant inheritance. Affected: yes. Observed: 1 variant allele.
Comment: ACMG Criteria: PM1_STR,PM5,PS3_SUP,PS4_SUP,PP3,PP4

NM_033380.3(COL4A5):c.3667G>A (p.Gly1223Ser)

Gene: COL4A5 (collagen type IV alpha 5 chain; plus strand). Cytogenetic location: Xq22.3.
Variant type: single nucleotide variant.
Coding change: c.3667G>A on transcript NM_033380.3 (MANE Select); coding-DNA position 3667, G replaced by A.
Protein change: p.Gly1223Ser; replaces glycine 1223 with serine.
Molecular consequence: missense variant.
Genome position (GRCh38, 1-based): chrX:108,668,381, G>A. VCF-style: chrX-108668381-G-A. GRCh37 (hg19) VCF-style: chrX-107911611-G-A.
Other names: c.3667G>A, p.Gly1223Ser (NM_000495.5); short protein forms G1223S.
Identifiers: ClinVar variation 4852334 (VCV004852334.1).